The following is an entry in ClinVar:

NM_152263.4(TPM3):c.412G>C (p.Asp138His)

Gene: TPM3 (tropomyosin 3; minus strand). Cytogenetic location: 1q21.3.
Variant type: single nucleotide variant.
Coding change: c.412G>C on transcript NM_152263.4 (MANE Select); coding-DNA position 412, G replaced by C.
Protein change: p.Asp138His; replaces aspartic acid 138 with histidine.
Molecular consequence: missense variant. On other transcripts: non-coding transcript variant (1).
Genome position (GRCh38, 1-based): chr1:154,173,167, C>G on the plus strand (G>C on the coding strand, the complement: TPM3 is on the minus strand). VCF-style: chr1-154173167-C-G. GRCh37 (hg19) VCF-style: chr1-154145643-C-G.
Other names: c.301G>C, p.Asp101His (NM_001043351.2, NM_001043352.2, NM_001043353.2 and 5 more transcripts); c.103G>C, p.Asp35His (NM_001278188.2); c.31G>C, p.Asp11His (NM_001278191.2); c.412G>C, p.Asp138His (NM_001364679.2, NM_001364680.2, NM_001364681.2 and 1 more transcripts); c.412G>C (NM_152263.3); short protein forms D138H, D11H, D35H, D101H.
Identifiers: ClinVar variation 1346742 (VCV001346742.8), dbSNP rs2148242185, ClinGen allele CA342584461.

ClinVar aggregate classification (germline): Uncertain significance. Review status: criteria provided, multiple submitters, no conflicts (2 of 4 stars). 2 submissions from 2 submitters: Uncertain significance (2). Last evaluated 2022-08-23.

Conditions:
Congenital myopathy 4B, autosomal recessive. Also called: Nemaline myopathy 1, autosomal dominant or recessive. Identifiers: Orphanet 171433, Orphanet 171439, Orphanet 171881, MedGen C5829889, MONDO:0012239, OMIM 609284.
Congenital myopathy with fiber type disproportion. Also called: Congenital fiber-type disproportion; Congenital fiber-type disproportion myopathy. Identifiers: Orphanet 2020, MedGen C0546264, MONDO:0009711. Inheritance: all.

Submissions (2):

Labcorp Genetics (formerly Invitae), Labcorp
Classification: Uncertain significance for Congenital myopathy with fiber type disproportion; Congenital myopathy 4B, autosomal recessive. Last evaluated: 2022-08-23. Review status: criteria provided, single submitter. Criteria: Invitae Variant Classification Sherloc (09022015). Collection method: clinical testing. Allele origin: germline.
Comment: In summary, the available evidence is currently insufficient to determine the role of this variant in disease. Therefore, it has been classified as a Variant of Uncertain Significance. Advanced modeling of protein sequence and biophysical properties (such as structural, functional, and spatial information, amino acid conservation, physicochemical variation, residue mobility, and thermodynamic stability) performed at Invitae indicates that this missense variant is expected to disrupt TPM3 protein function. ClinVar contains an entry for this variant (Variation ID: 1346742). This variant has not been reported in the literature in individuals affected with TPM3-related conditions. This variant is not present in population databases (gnomAD no frequency). This sequence change replaces aspartic acid, which is acidic and polar, with histidine, which is basic and polar, at codon 138 of the TPM3 protein (p.Asp138His).

Revvity Omics, Revvity
Classification: Uncertain significance. Last evaluated: 2019-08-07. Review status: criteria provided, single submitter. Criteria: ACMG Guidelines, 2015. Collection method: clinical testing. Allele origin: germline.